The following is an entry in ClinVar:

NM_001364905.1(LRBA):c.1311G>C (p.Lys437Asn)

Gene: LRBA (LPS responsive beige-like anchor protein; minus strand). Cytogenetic location: 4q31.3.
Variant type: single nucleotide variant.
Coding change: c.1311G>C on transcript NM_001364905.1 (MANE Select); coding-DNA position 1311, G replaced by C.
Protein change: p.Lys437Asn; replaces lysine 437 with asparagine.
Molecular consequence: missense variant.
Genome position (GRCh38, 1-based): chr4:150,908,708, C>G on the plus strand (G>C on the coding strand, the complement: LRBA is on the minus strand). VCF-style: chr4-150908708-C-G. GRCh37 (hg19) VCF-style: chr4-151829860-C-G.
Other names: c.1311G>C, p.Lys437Asn (NM_001199282.3, NM_001367550.1, NM_006726.5); short protein forms K437N.
Identifiers: ClinVar variation 1026233 (VCV001026233.7), dbSNP rs1731616766, ClinGen allele CA358433550.

ClinVar aggregate classification (germline): Uncertain significance. Review status: criteria provided, multiple submitters, no conflicts (2 of 4 stars). 2 submissions from 2 submitters: Uncertain significance (2). Last evaluated 2023-06-02.

Conditions:
Combined immunodeficiency due to LRBA deficiency. Also called: Common variable immunodeficiency 8, with autoimmunity. Identifiers: Orphanet 445018, MedGen C3553512, MONDO:0013863, OMIM 614700.

Submissions (2):

Blueprint Genetics
Classification: Uncertain significance. Last evaluated: 2023-06-02. Review status: criteria provided, single submitter. Criteria: ACMG Guidelines, 2015. Collection method: clinical testing. Allele origin: germline.

Labcorp Genetics (formerly Invitae), Labcorp
Classification: Uncertain significance for Combined immunodeficiency due to LRBA deficiency. Last evaluated: 2021-08-31. Review status: criteria provided, single submitter. Criteria: Invitae Variant Classification Sherloc (09022015). Collection method: clinical testing. Allele origin: germline.
Comment: This sequence change replaces lysine with asparagine at codon 437 of the LRBA protein (p.Lys437Asn). The lysine residue is moderately conserved and there is a moderate physicochemical difference between lysine and asparagine. This variant is not present in population databases (ExAC no frequency). This variant has not been reported in the literature in individuals affected with LRBA-related conditions. Algorithms developed to predict the effect of missense changes on protein structure and function are either unavailable or do not agree on the potential impact of this missense change (SIFT: "Tolerated"; PolyPhen-2: "Probably Damaging"; Align-GVGD: "Class C0"). In summary, the available evidence is currently insufficient to determine the role of this variant in disease. Therefore, it has been classified as a Variant of Uncertain Significance.